The following is an entry in ClinVar:

NM_024753.5(TTC21B):c.2170T>A (p.Ser724Thr)

Gene: TTC21B (tetratricopeptide repeat domain 21B; minus strand). Cytogenetic location: 2q24.3.
Variant type: single nucleotide variant.
Coding change: c.2170T>A on transcript NM_024753.5 (MANE Select); coding-DNA position 2170, T replaced by A.
Protein change: p.Ser724Thr; replaces serine 724 with threonine.
Molecular consequence: missense variant.
Genome position (GRCh38, 1-based): chr2:165,913,615, A>T on the plus strand (T>A on the coding strand, the complement: TTC21B is on the minus strand). VCF-style: chr2-165913615-A-T. GRCh37 (hg19) VCF-style: chr2-166770125-A-T.
Other names: short protein forms S724T.
Identifiers: ClinVar variation 971261 (VCV000971261.9), dbSNP rs759317777, ClinGen allele CA1941910.

ClinVar aggregate classification (germline): Uncertain significance. Review status: criteria provided, multiple submitters, no conflicts (2 of 4 stars). 2 submissions from 2 submitters: Uncertain significance (2). Last evaluated 2026-07-13.

Conditions:
TTC21B-related disorder. Also called: TTC21B-related disorders; TTC21B-related condition.
Nephronophthisis. Also called: Juvenile Nephronophthisis. Identifiers: Orphanet 655, MedGen C0687120, MONDO:0019005, HP:0000090.
Jeune thoracic dystrophy. Also called: Jeune syndrome; Infantile thoracic dystrophy; Thoracic pelvic phalangeal dystrophy; Jeune's syndrome; Chondroectodermal dysplasia-like syndrome; Short-rib thoracic dysplasia. Identifiers: Orphanet 474, MedGen C0265275, MONDO:0018770.

Allele frequency attached by ClinVar (database versions not stated): ExAC 0.00001; gnomAD exomes 0.00001; TOPMed 0.00001; gnomAD 0.00002.
gnomAD v4.1: 14 of 1,613,006 alleles (0.00087%); highest among the groups gnomAD compares: African/African-American, 0.013%; no homozygotes.

Submissions (2):

PreventionGenetics, part of Exact Sciences
Classification: Uncertain significance for TTC21B-related condition. Last evaluated: 2026-07-13. Review status: criteria provided, single submitter. Criteria: ACMG Guidelines, 2015. Collection method: clinical testing. Allele origin: germline.
Comment: The TTC21B c.2170T>A variant is predicted to result in the amino acid substitution p.Ser724Thr. This variant has been reported in an individual with MKKS-related condition (Supplementary data, Davis et al. 2011. PubMed ID: 21258341). This variant is reported in 0.016% of alleles in individuals of African descent in gnomAD. At this time, the clinical significance of this variant is uncertain due to the absence of conclusive functional and genetic evidence.

Labcorp Genetics (formerly Invitae), Labcorp
Classification: Uncertain significance for Jeune thoracic dystrophy; Nephronophthisis. Last evaluated: 2022-08-09. Review status: criteria provided, single submitter. Criteria: Invitae Variant Classification Sherloc (09022015). Collection method: clinical testing. Allele origin: germline.
Comment: This sequence change replaces serine, which is neutral and polar, with threonine, which is neutral and polar, at codon 724 of the TTC21B protein (p.Ser724Thr). In summary, the available evidence is currently insufficient to determine the role of this variant in disease. Therefore, it has been classified as a Variant of Uncertain Significance. Experimental studies have shown that this missense change does not substantially affect TTC21B function (PMID: 21258341). Algorithms developed to predict the effect of missense changes on protein structure and function output the following: SIFT: "Tolerated"; PolyPhen-2: "Benign"; Align-GVGD: "Class C0". The threonine amino acid residue is found in multiple mammalian species, which suggests that this missense change does not adversely affect protein function. ClinVar contains an entry for this variant (Variation ID: 971261). This missense change has been observed in individual(s) with ciliopathy disorders (PMID: 21258341). This variant is present in population databases (rs759317777, gnomAD 0.01%).

Literature cited by the submitters: PubMed 21258341 (cited by Labcorp Genetics (formerly Invitae), Labcorp).